The following is an entry in ClinVar:

NM_017838.4(NHP2):c.352G>A (p.Ala118Thr)

Genes: NHP2 (NHP2 ribonucleoprotein; minus strand), RMND5B (required for meiotic nuclear division 5 homolog B; plus strand). Cytogenetic location: 5q35.3.
Variant type: single nucleotide variant.
Coding change: c.352G>A on transcript NM_017838.4 (MANE Select); coding-DNA position 352, G replaced by A.
Protein change: p.Ala118Thr; replaces alanine 118 with threonine.
Molecular consequence: missense variant. On other transcripts: synonymous variant (2), 3 prime UTR variant (3).
Genome position (GRCh38, 1-based): chr5:178,149,823, C>T on the plus strand (G>A on the coding strand, the complement: NHP2 is on the minus strand). VCF-style: chr5-178149823-C-T. GRCh37 (hg19) VCF-style: chr5-177576824-C-T.
Other names: p.Ala118Thr; c.246G>A, p.Pro82= (NM_001034833.2); c.480G>A, p.Pro160= (NM_001396110.1); c.*1791C>T (NM_001288794.2, NM_001288795.2, NM_022762.5); short protein forms A118T.
Identifiers: ClinVar variation 416618 (VCV000416618.24), dbSNP rs139588879, ClinGen allele CA3589122.

ClinVar aggregate classification (germline): Benign/Likely benign. Review status: criteria provided, multiple submitters, no conflicts (2 of 4 stars). 7 submissions from 7 submitters: Benign (4); Likely benign (2). 1 of the submissions does not count toward it. Last evaluated 2026-02-01.

Conditions:
Dyskeratosis congenita. Identifiers: Orphanet 1775, MedGen C0265965, MONDO:0015780.
NHP2-related disorder. Also called: NHP2-related condition.

Allele frequency attached by ClinVar (database versions not stated): gnomAD exomes 0.00045 and 0.00106; ExAC 0.00105; 1000 Genomes Project 0.00200; 1000 Genomes Project 30x 0.00219; ESP Exome Variant Server 0.00331; gnomAD 0.00332 and 0.00368; TOPMed 0.00376.
gnomAD v4.1: 1,178 of 1,613,520 alleles (0.073%); highest among the groups gnomAD compares: African/African-American, 1.2%; 5 homozygotes.

Submissions (7):

Labcorp Genetics (formerly Invitae), Labcorp
Classification: Benign for Dyskeratosis congenita. Last evaluated: 2026-02-01. Review status: criteria provided, single submitter. Criteria: Invitae Variant Classification Sherloc (09022015). Collection method: clinical testing. Allele origin: germline.

Dasa
Classification: Benign. Last evaluated: 2026-01-08. Review status: criteria provided, single submitter. Criteria: DASA Assertion Criteria. Collection method: clinical testing. Allele origin: germline.
Comment: NM_017838.4(NHP2):c.352G>A (p.Ala118Thr) is a missense variant that results in the substitution of alanine with threonine. Population frequency is inconsistent with a disease-causing role for this variant. Computational prediction algorithms are consistent with a benign effect. Therefore, based on the currently available evidence, this variant is classified as benign.

Mayo Clinic Laboratories, Mayo Clinic
Classification: Benign. Last evaluated: 2024-12-27. Review status: criteria provided, single submitter. Criteria: ACMG Guidelines, 2015. Collection method: clinical testing. Allele origin: germline. Observed: 1 variant allele.
Comment: BS1, BS2, BP4_moderate

Blueprint Genetics
Classification: Likely benign. Last evaluated: 2024-08-06. Review status: criteria provided, single submitter. Criteria: ACMG Guidelines, 2015. Collection method: clinical testing. Allele origin: germline.

GeneDx
Classification: Likely benign. Last evaluated: 2022-07-29. Review status: criteria provided, single submitter. Criteria: GeneDx Variant Classification Process June 2021. Collection method: clinical testing. Allele origin: germline.
Comment: See Variant Classification Assertion Criteria.

Genetic Services Laboratory, University of Chicago
Classification: Benign. Last evaluated: 2017-12-11. Review status: criteria provided, single submitter. Criteria: ACMG Guidelines, 2015. Collection method: clinical testing. Allele origin: germline. Affected: no.

PreventionGenetics, part of Exact Sciences
Classification: Benign for NHP2-related condition. Last evaluated: 2019-09-27. Review status: no assertion criteria provided. Collection method: clinical testing. Allele origin: germline. Not counted in ClinVar's aggregate classification.
Comment: This variant is classified as benign based on ACMG/AMP sequence variant interpretation guidelines (Richards et al. 2015 PMID: 25741868, with internal and published modifications).

Literature cited by the submitters: PubMed 18523010 (cited by Mayo Clinic Laboratories, Mayo Clinic).